The following is an entry in ClinVar:

ClinVar aggregate classification (germline): Uncertain significance. Review status: criteria provided, multiple submitters, no conflicts (2 of 4 stars). 3 submissions from 3 submitters: Uncertain significance (3). Last evaluated 2025-03-20.

Conditions:
Inborn genetic diseases. Identifiers: MedGen C0950123, MeSH D030342.
Pseudohyperaldosteronism type 2. Identifiers: Orphanet 88660, MedGen C1854631, MONDO:0011517, OMIM 605115.
Autosomal dominant pseudohypoaldosteronism type 1. Also called: Pseudohypoaldosteronism, Type I, Autosomal Dominant; PHA I, AUTOSOMAL DOMINANT; Pseudohypoaldosteronism, Type I, Dominant. Identifiers: Orphanet 171871, Orphanet 756, MedGen C1449842, MONDO:0008329, OMIM 177735.

gnomAD v4.1: 67 of 1,614,060 alleles (0.0042%); highest among the groups gnomAD compares: African/African-American, 0.0053%; no homozygotes.

Submissions (3):

Labcorp Genetics (formerly Invitae), Labcorp
Classification: Uncertain significance. Last evaluated: 2025-03-20. Review status: criteria provided, single submitter. Criteria: Invitae Variant Classification Sherloc (09022015). Collection method: clinical testing. Allele origin: germline.
Comment: This sequence change replaces proline, which is neutral and non-polar, with leucine, which is neutral and non-polar, at codon 325 of the NR3C2 protein (p.Pro325Leu). This variant is present in population databases (rs770964849, gnomAD 0.007%). This missense change has been observed in individual(s) with hypertension (PMID: 38297435). ClinVar contains an entry for this variant (Variation ID: 3407675). Invitae Evidence Modeling of protein sequence and biophysical properties (such as structural, functional, and spatial information, amino acid conservation, physicochemical variation, residue mobility, and thermodynamic stability) indicates that this missense variant is expected to disrupt NR3C2 protein function with a positive predictive value of 80%. In summary, the available evidence is currently insufficient to determine the role of this variant in disease. Therefore, it has been classified as a Variant of Uncertain Significance.

Ambry Genetics
Classification: Uncertain significance for Inborn genetic diseases. Last evaluated: 2024-10-25. Review status: criteria provided, single submitter. Criteria: Ambry Variant Classification Scheme 2023. Collection method: clinical testing. Allele origin: germline.

Fulgent Genetics
Classification: Uncertain significance for Autosomal dominant pseudohypoaldosteronism type 1; Pseudohyperaldosteronism type 2. Last evaluated: 2024-03-04. Review status: criteria provided, single submitter. Criteria: ACMG Guidelines, 2015. Collection method: clinical testing. Allele origin: germline.

Literature cited by the submitters: PubMed 38297435 (cited by Labcorp Genetics (formerly Invitae), Labcorp).

NM_000901.5(NR3C2):c.974C>T (p.Pro325Leu)

Gene: NR3C2 (nuclear receptor subfamily 3 group C member 2; minus strand). Cytogenetic location: 4q31.23.
Variant type: single nucleotide variant.
Coding change: c.974C>T on transcript NM_000901.5 (MANE Select); coding-DNA position 974, C replaced by T.
Protein change: p.Pro325Leu; replaces proline 325 with leucine.
Molecular consequence: missense variant. On other transcripts: non-coding transcript variant (1).
Genome position (GRCh38, 1-based): chr4:148,435,887, G>A on the plus strand (C>T on the coding strand, the complement: NR3C2 is on the minus strand). VCF-style: chr4-148435887-G-A. GRCh37 (hg19) VCF-style: chr4-149357039-G-A.
Other names: c.974C>T, p.Pro325Leu (NM_001166104.2, NM_001354819.1); short protein forms P325L.
Identifiers: ClinVar variation 3407675 (VCV003407675.3).
Genomic context (GRCh38, chr4:148,435,887, plus strand): 5'-GCAGTGTAGCTGAAGGCATTGTTTACAGGGCTACAGATAGATCCCACAGTACTGGCTGCC[G>A]GACTGGAAAGCGTGGATCTGTTATTAGTGTTCGAAGGGCTGGAAACAGAGCACCTTGAGT-3'
Protein context (NP_000892.2, residues 315-335): NTNNRSTLSS[Pro325Leu]AASTVGSICS